The following is an entry in ClinVar:

ClinVar aggregate classification (germline): Uncertain significance (1 of 4 stars; one submission).

Conditions:
Intellectual developmental disorder, autosomal recessive 75, with neuropsychiatric features and variant lissencephaly (MRT75). Identifiers: MedGen C5676961, MONDO:0030785, OMIM 619827.

Allele frequency attached by ClinVar (database versions not stated): gnomAD 0.00003; TOPMed 0.00003; gnomAD exomes 0.00004; ExAC 0.00005.

Submission:

Victorian Clinical Genetics Services, Murdoch Childrens Research Institute
Classification: Uncertain significance for Intellectual developmental disorder, autosomal recessive 75, with neuropsychiatric features and variant lissencephaly. Last evaluated: 2023-12-21. Review status: criteria provided, single submitter. Criteria: ACMG Guidelines, 2015. Collection method: clinical testing. Allele origin: germline. Inheritance: Autosomal recessive inheritance. Affected: yes.
Comment: Based on the classification scheme VCGS_Germline_v1.3.4, this variant is classified as VUS-3B. Following criteria are met: 0102 - Loss of function is a known mechanism of disease in this gene and is associated with intellectual developmental disorder 75, with neuropsychiatric features and variant lissencephaly (MIM#619827). (I) 0106 - This gene is associated with autosomal recessive disease. (I) 0200 - Variant is predicted to result in a missense amino acid change from arginine to cysteine. (I) 0251 - This variant is heterozygous. (I) 0304 - Variant is present in gnomAD (v2) <0.01 for a recessive condition (12 heterozygotes, 0 homozygotes). (SP) 0309 - Multiple alternative amino acid changes at the same position have been observed in gnomAD (v2) (16 heterozygotes, 0 homozygotes). (I) 0504 - Same amino acid change has been observed in placental mammals. (SB) 0604 - Variant is not located in an established domain, motif, hotspot or informative constraint region. (I) 0705 - No comparable missense variants have previous evidence for pathogenicity. p.(Arg93His) has been reported as a VUS in ClinVar, however it is not considered comparable. (I) 0807 - This variant has no previous evidence of pathogenicity. (I) 0905 - No published segregation evidence has been identified for this variant. (I) 1007 - No published functional evidence has been identified for this variant. (I) 1201 - Heterozygous variant detected in trans with a second likely pathogenic heterozygous variant (NM_145886.3(PIDD1):c.296-1G>A) in a recessive disease. (I) Legend: (SP) - Supporting pathogenic, (I) - Information, (SB) - Supporting benign

NM_145886.4(PIDD1):c.277C>T (p.Arg93Cys)

Gene: PIDD1 (p53-induced death domain protein 1; minus strand). Cytogenetic location: 11p15.5.
Variant type: single nucleotide variant.
Coding change: c.277C>T on transcript NM_145886.4 (MANE Select); coding-DNA position 277, C replaced by T.
Protein change: p.Arg93Cys; replaces arginine 93 with cysteine.
Molecular consequence: missense variant.
Genome position (GRCh38, 1-based): chr11:804,112, G>A on the plus strand (C>T on the coding strand, the complement: PIDD1 is on the minus strand). VCF-style: chr11-804112-G-A. GRCh37 (hg19) VCF-style: chr11-804112-G-A.
Other names: c.277C>T, p.Arg93Cys (NM_145887.4); short protein forms R93C.
Identifiers: ClinVar variation 3254686 (VCV003254686.1), dbSNP rs573360451.